The following is an entry in ClinVar:

ClinVar aggregate classification (germline): Uncertain significance (1 of 4 stars; one submission).

Conditions:
Inborn genetic diseases. Identifiers: MedGen C0950123, MeSH D030342.

gnomAD v4.1: 1 of 1,613,110 alleles (0.000062%); no homozygotes.

Submission:

Ambry Genetics
Classification: Uncertain significance for Inborn genetic diseases. Last evaluated: 2023-06-17. Review status: criteria provided, single submitter. Criteria: Ambry Variant Classification Scheme 2023. Collection method: clinical testing. Allele origin: germline.
Comment: The p.E1277K variant (also known as c.3829G>A), located in coding exon 21 of the ATR gene, results from a G to A substitution at nucleotide position 3829. The glutamic acid at codon 1277 is replaced by lysine, an amino acid with similar properties. This amino acid position is conserved. In addition, this alteration is predicted to be tolerated by in silico analysis. Since supporting evidence is limited at this time, the clinical significance of this alteration remains unclear.

NM_001184.4(ATR):c.3829G>A (p.Glu1277Lys)

Gene: ATR (ATR checkpoint kinase; minus strand). Cytogenetic location: 3q23.
Variant type: single nucleotide variant.
Coding change: c.3829G>A on transcript NM_001184.4 (MANE Select); coding-DNA position 3829, G replaced by A.
Protein change: p.Glu1277Lys; replaces glutamic acid 1277 with lysine.
Molecular consequence: missense variant.
Genome position (GRCh38, 1-based): chr3:142,535,196, C>T on the plus strand (G>A on the coding strand, the complement: ATR is on the minus strand). VCF-style: chr3-142535196-C-T. GRCh37 (hg19) VCF-style: chr3-142254038-C-T.
Other names: c.3637G>A, p.Glu1213Lys (NM_001354579.2); short protein forms E1213K, E1277K.
Identifiers: ClinVar variation 2587540 (VCV002587540.2), dbSNP rs1232235665, ClinGen allele CA354806428.